The following is an entry in ClinVar:

ClinVar aggregate classification (germline): Benign (0 of 4 stars; one submission).

Conditions:
EPPK1-related disorder. Also called: EPPK1-related condition.

Allele frequency attached by ClinVar (database versions not stated): gnomAD exomes 0.00139; ExAC 0.00412; ESP Exome Variant Server 0.01087; gnomAD 0.01200; TOPMed 0.01395; 1000 Genomes Project 0.01977; 1000 Genomes Project 30x 0.01999.
gnomAD v4.1: 4,016 of 1,610,630 alleles (0.25%); highest among the groups gnomAD compares: African/African-American, 3.9%; 63 homozygotes.

Submission:

PreventionGenetics, part of Exact Sciences
Classification: Benign for EPPK1-related condition. Last evaluated: 2021-04-14. Review status: no assertion criteria provided. Collection method: clinical testing. Allele origin: germline.
Comment: This variant is classified as benign based on ACMG/AMP sequence variant interpretation guidelines (Richards et al. 2015 PMID: 25741868, with internal and published modifications).

NM_031308.4(EPPK1):c.4038C>T (p.Leu1346=)

Gene: EPPK1 (epiplakin 1; minus strand). Cytogenetic location: 8q24.3.
Variant type: single nucleotide variant.
Coding change: c.4038C>T on transcript NM_031308.4 (MANE Select); coding-DNA position 4038, C replaced by T.
Protein change: p.Leu1346=; no amino-acid change (leucine 1346 retained).
Molecular consequence: synonymous variant.
Genome position (GRCh38, 1-based): chr8:143,869,216, G>A on the plus strand (C>T on the coding strand, the complement: EPPK1 is on the minus strand). VCF-style: chr8-143869216-G-A. GRCh37 (hg19) VCF-style: chr8-144943384-G-A.
Identifiers: ClinVar variation 3034813 (VCV003034813.2), dbSNP rs189024404, ClinGen allele CA4922616.